The following is an entry in ClinVar:

NM_001127511.3(APC):c.165+16G>A

Gene: APC (APC regulator of Wnt signaling pathway; plus strand). Cytogenetic location: 5q22.2.
Variant type: single nucleotide variant.
Coding change: c.165+16G>A on transcript NM_001127511.3; 16 bases into the intron after coding-DNA position 165, G replaced by A.
Molecular consequence: intron variant.
Genome position (GRCh38, 1-based): chr5:112,707,898, G>A. VCF-style: chr5-112707898-G-A. GRCh37 (hg19) VCF-style: chr5-112043595-G-A.
Other names: c.-19+249G>A (NM_001407448.1, NM_001407450.1, NM_001407457.1 and 1 more transcripts); c.-43+249G>A (NM_001407453.1); c.-1054+16G>A (NM_001407470.1, NM_001407472.1); c.-19+16G>A (NM_001407447.1, NM_001354895.2, NM_001407456.1 and 3 more transcripts); c.165+16G>A (NM_001407446.1, NM_001354897.2, NM_001354902.2).
Identifiers: ClinVar variation 1024100 (VCV001024100.7), dbSNP rs1223298182, ClinGen allele CA561890343.
Genomic context (GRCh38, chr5:112,707,898, plus strand): 5'-CCGGGCGGCGCTCGTACTTCTGGCCACTGGGCGAGCGTCTGGCAGGTGAGTGAGGCTGCA[G>A]GCATTGACGTCTCCTCCCGGCAAAGCTTCCTCGGCTTTGCCCCGCCGCTGCTCGGGACCC-3'

ClinVar aggregate classification (germline): Uncertain significance (1 of 4 stars; one submission).

Conditions:
Familial adenomatous polyposis 1 (FAP1). Also called: FAMILIAL ADENOMATOUS POLYPOSIS 1, ATTENUATED; POLYPOSIS, ADENOMATOUS INTESTINAL. Identifiers: MedGen C2713442, MONDO:0021056, OMIM 175100. Disease mechanism: loss of function.

Allele frequency attached by ClinVar (database versions not stated): gnomAD exomes 0.00001.
gnomAD v4.1: 7 of 1,361,194 alleles (0.00051%); highest among the groups gnomAD compares: South Asian, 0.0049%; no homozygotes.

Submission:

Labcorp Genetics (formerly Invitae), Labcorp
Classification: Uncertain significance for Familial adenomatous polyposis 1. Last evaluated: 2025-10-25. Review status: criteria provided, single submitter. Criteria: Invitae Variant Classification Sherloc (09022015). Collection method: clinical testing. Allele origin: germline.
Comment: This variant occurs in a non-coding region of the APC gene. It does not change the encoded amino acid sequence of the APC protein. This variant is present in population databases (no rsID available, gnomAD 0.005%). This variant has not been reported in the literature in individuals affected with APC-related conditions. Experimental studies and prediction algorithms are not available or were not evaluated, and the functional significance of this variant is currently unknown. In summary, the available evidence is currently insufficient to determine the role of this variant in disease. Therefore, it has been classified as a Variant of Uncertain Significance.